The following is an entry in ClinVar:

NM_001370259.2(MEN1):c.605G>A (p.Gly202Asp)

Gene: MEN1 (menin 1; minus strand). Cytogenetic location: 11q13.1.
Variant type: single nucleotide variant.
Coding change: c.605G>A on transcript NM_001370259.2 (MANE Select); coding-DNA position 605, G replaced by A.
Protein change: p.Gly202Asp; replaces glycine 202 with aspartic acid.
Molecular consequence: missense variant. On other transcripts: intron variant (2).
Genome position (GRCh38, 1-based): chr11:64,807,940, C>T on the plus strand (G>A on the coding strand, the complement: MEN1 is on the minus strand). VCF-style: chr11-64807940-C-T. GRCh37 (hg19) VCF-style: chr11-64575412-C-T.
Other names: c.620G>A, p.Gly207Asp (NM_000244.4, NM_130800.3, NM_130801.3 and 3 more transcripts); c.605G>A, p.Gly202Asp (NM_001370251.2, NM_001370260.2, NM_001370261.2 and 1 more transcripts); c.549+56G>A (NM_001370263.2, NM_001370262.2); short protein forms G207D, G202D.
Identifiers: ClinVar variation 946097 (VCV000946097.9), dbSNP rs1941854779, ClinGen allele CA381185444.
Genomic context (GRCh38, chr11:64,807,940, plus strand): 5'-GGGAACAATACCCGCTCAGCCACACCGGCATTGACTGTCTGGCCCCTGCGGTCCTCGTTG[C>T]CCTTGCCGTGCCAGGTGACCTCAGCTGTCTGCTCCCCATTGGGCCCAAACACTACCCAGG-3'
Protein context (NP_001357188.2, residues 192-212): QTAEVTWHGK[Gly202Asp]NEDRRGQTVN

ClinVar aggregate classification (germline): Uncertain significance (1 of 4 stars; one submission).

Conditions:
Multiple endocrine neoplasia, type 1 (MEN1). Also called: MEN I; WERMER SYNDROME; Endocrine adenomatosis multiple; MEN 1; MEA I. Identifiers: Orphanet 652, MedGen C0025267, MeSH D018761, MONDO:0007540, OMIM 131100.

Submission:

Labcorp Genetics (formerly Invitae), Labcorp
Classification: Uncertain significance for Multiple endocrine neoplasia, type 1. Last evaluated: 2019-03-27. Review status: criteria provided, single submitter. Criteria: Invitae Variant Classification Sherloc (09022015). Collection method: clinical testing. Allele origin: germline.
Comment: In summary, the available evidence is currently insufficient to determine the role of this variant in disease. Therefore, it has been classified as a Variant of Uncertain Significance. Algorithms developed to predict the effect of missense changes on protein structure and function are either unavailable or do not agree on the potential impact of this missense change (SIFT: "Deleterious"; PolyPhen-2: "Probably Damaging"; Align-GVGD: "Class C0"). This variant has not been reported in the literature in individuals with MEN1-related conditions. This variant is not present in population databases (ExAC no frequency). This sequence change replaces glycine with aspartic acid at codon 202 of the MEN1 protein (p.Gly202Asp). The glycine residue is highly conserved and there is a moderate physicochemical difference between glycine and aspartic acid.